The following is an entry in ClinVar:

NM_001040142.2(SCN2A):c.785T>C (p.Phe262Ser)

Gene: SCN2A (sodium voltage-gated channel alpha subunit 2; plus strand). Cytogenetic location: 2q24.3.
Variant type: single nucleotide variant.
Coding change: c.785T>C on transcript NM_001040142.2 (MANE Select); coding-DNA position 785, T replaced by C.
Protein change: p.Phe262Ser; replaces phenylalanine 262 with serine.
Molecular consequence: missense variant.
Genome position (GRCh38, 1-based): chr2:165,310,410, T>C. VCF-style: chr2-165310410-T-C. GRCh37 (hg19) VCF-style: chr2-166166920-T-C.
Other names: c.785T>C, p.Phe262Ser (NM_001040143.2, NM_001371246.1, NM_001371247.1 and 1 more transcripts); c.785T>C (NM_021007.2); short protein forms F262S.
Identifiers: ClinVar variation 982024 (VCV000982024.4), dbSNP rs1697364805, ClinGen allele CA349018083.
Genomic context (GRCh38, chr2:165,310,410, plus strand): 5'-TCCAGTCAGTGAAGAAGCTTTCTGATGTCATGATCTTGACTGTGTTCTGTCTAAGCGTGT[T>C]TGCGCTAATAGGATTGCAGTTGTTCATGGGCAACCTACGAAATAAATGTTTGCAATGGCC-3'
Protein context (NP_001035232.1, residues 252-272): MILTVFCLSV[Phe262Ser]ALIGLQLFMG

ClinVar aggregate classification (germline): Pathogenic/Likely pathogenic. Review status: criteria provided, multiple submitters, no conflicts (2 of 4 stars). 2 submissions from 2 submitters: Pathogenic (1); Likely pathogenic (1). Last evaluated 2025-06-16.

Conditions:
Developmental and epileptic encephalopathy, 11 (DEE11). Also called: Early infantile epileptic encephalopathy 11. Identifiers: Orphanet 1934, MedGen C3150987, MONDO:0013388, OMIM 613721.

Submissions (2):

GeneDx
Classification: Pathogenic. Last evaluated: 2025-06-16. Review status: criteria provided, single submitter. Criteria: GeneDx Variant Classification Process June 2021. Collection method: clinical testing. Allele origin: germline. Affected: yes.
Comment: Not observed at significant frequency in large population cohorts (gnomAD); In silico analysis supports that this missense variant has a deleterious effect on protein structure/function; This variant is associated with the following publications: (PMID: 33084218, 29314763)

Consultorio y Laboratorio de Neurogenética, Hospital JM Ramos Mejia
Classification: Likely pathogenic for Developmental and epileptic encephalopathy, 11. Review status: criteria provided, single submitter. Criteria: Perez et al. (J Hum Genet. 2020). Collection method: clinical testing. Allele origin: unknown. Inheritance: Autosomal dominant inheritance. Affected: yes. Observed: 1 heterozygote.